The following is an entry in ClinVar:

ClinVar aggregate classification (germline): Conflicting classifications of pathogenicity. Review status: criteria provided, conflicting classifications (1 of 4 stars). 2 submissions from 2 submitters: Uncertain significance (1); Likely benign (1). Last evaluated 2018-06-01.

Conditions:
Nemaline myopathy 2 (NEM2). Also called: Nemaline myopathy 2, autosomal recessive. Identifiers: MedGen C1850569, MONDO:0009725, OMIM 256030.

Submissions (2):

GeneDx
Classification: Likely benign. Last evaluated: 2018-06-01. Review status: criteria provided, single submitter. Criteria: GeneDx Variant Classification (06012015). Collection method: clinical testing. Allele origin: germline. Affected: yes.
Comment: This variant is considered likely benign or benign based on one or more of the following criteria: it is a conservative change, it occurs at a poorly conserved position in the protein, it is predicted to be benign by multiple in silico algorithms, and/or has population frequency not consistent with disease.

Labcorp Genetics (formerly Invitae), Labcorp
Classification: Uncertain significance for Nemaline myopathy 2. Last evaluated: 2017-11-14. Review status: criteria provided, single submitter. Criteria: Invitae Variant Classification Sherloc (09022015). Collection method: clinical testing. Allele origin: germline.

NM_001164508.2(NEB):c.12382G>A (p.Glu4128Lys)

Gene: NEB (nebulin; minus strand). Cytogenetic location: 2q23.3.
Variant type: single nucleotide variant.
Coding change: c.12382G>A on transcript NM_001164508.2 (MANE Select); coding-DNA position 12382, G replaced by A.
Protein change: p.Glu4128Lys; replaces glutamic acid 4128 with lysine.
Molecular consequence: missense variant. On other transcripts: intron variant (1).
Genome position (GRCh38, 1-based): chr2:151,608,625, C>T on the plus strand (G>A on the coding strand, the complement: NEB is on the minus strand). VCF-style: chr2-151608625-C-T. GRCh37 (hg19) VCF-style: chr2-152465139-C-T.
Other names: c.12382G>A, p.Glu4128Lys (NM_001164507.2, NM_001271208.2); c.11601+1184G>A (NM_004543.5); short protein forms E4128K.
Identifiers: ClinVar variation 465449 (VCV000465449.4), dbSNP rs1553877949, ClinGen allele CA348776153.